The following is an entry in ClinVar:

NM_153006.3(NAGS):c.1096+2T>G

Gene: NAGS (N-acetylglutamate synthase; plus strand). Cytogenetic location: 17q21.31.
Variant type: single nucleotide variant.
Coding change: c.1096+2T>G on transcript NM_153006.3 (MANE Select); the canonical splice donor site of the intron after coding-DNA position 1096, T replaced by G.
Molecular consequence: splice donor variant.
Genome position (GRCh38, 1-based): chr17:44,006,711, T>G. VCF-style: chr17-44006711-T-G. GRCh37 (hg19) VCF-style: chr17-42084079-T-G.
Identifiers: ClinVar variation 931446 (VCV000931446.3), dbSNP rs2049097522, ClinGen allele CA399726595.

ClinVar aggregate classification (germline): Pathogenic (1 of 4 stars; one submission).

Conditions:
Hyperammonemia, type III (NAGSD). Also called: Hyperammonemia due to N-acetylglutamate synthase deficiency. Identifiers: Orphanet 927, MedGen C0268543, MONDO:0009377, OMIM 237310.

Submission:

Centre for Mendelian Genomics, University Medical Centre Ljubljana
Classification: Pathogenic for Hyperammonemia, type III. Last evaluated: 2019-05-07. Review status: criteria provided, single submitter. Criteria: ACMG Guidelines, 2015. Collection method: clinical testing. Allele origin: unknown. Affected: yes.
Comment: This variant was classified as: Pathogenic. The following ACMG criteria were applied in classifying this variant: PVS1,PM2,PP3.